The following is an entry in ClinVar:

NM_000392.5(ABCC2):c.2077G>A (p.Gly693Arg)

Gene: ABCC2 (ATP binding cassette subfamily C member 2; plus strand). Cytogenetic location: 10q24.2.
Variant type: single nucleotide variant.
Coding change: c.2077G>A on transcript NM_000392.5 (MANE Select); coding-DNA position 2077, G replaced by A.
Protein change: p.Gly693Arg; replaces glycine 693 with arginine.
Molecular consequence: missense variant.
Genome position (GRCh38, 1-based): chr10:99,813,127, G>A. VCF-style: chr10-99813127-G-A. GRCh37 (hg19) VCF-style: chr10-101572884-G-A.
Other names: p.Gly693Arg; c.2077G>A, p.Gly693Arg (LRG_1208t1); c.2077G>A (NM_000392.4); short protein forms G693R.
Identifiers: ClinVar variation 598277 (VCV000598277.15), dbSNP rs765570396, ClinGen allele CA5643381.
Genomic context (GRCh38, chr10:99,813,127, plus strand): 5'-GTCGGCTCTGGGAAATCCTCCTTGATATCAGCCATGCTGGGAGAAATGGAAAATGTCCAC[G>A]GGCACATCACCATCAAGGTGAGAGGGAATGCCAATGCAAAAGCCTCTGACTCCCGAATGT-3'
Protein context (NP_000383.2, residues 683-703): AMLGEMENVH[Gly693Arg]HITIKGTTAY

ClinVar aggregate classification (germline): Conflicting classifications of pathogenicity. Review status: criteria provided, conflicting classifications (1 of 4 stars). 7 submissions from 7 submitters: Pathogenic (4); Uncertain significance (1). 2 of the submissions do not count toward it. Last evaluated 2025-10-16.

Conditions:
ABCC2-related disorder. Also called: ABCC2-related condition.
Dubin-Johnson syndrome (DJS). Also called: Jaundice, Chronic Idiopathic; Hyperbilirubinemia type 2; HYPERBILIRUBINEMIA, DUBIN-JOHNSON TYPE. Identifiers: Orphanet 234, MedGen C0022350, MONDO:0009380, OMIM 237500.

Allele frequency attached by ClinVar (database versions not stated): gnomAD 0.00001 and 0.00004; TOPMed 0.00002.
gnomAD v4.1: 55 of 1,613,774 alleles (0.0034%); highest among the groups gnomAD compares: South Asian, 0.03%; 1 homozygote.

Submissions (7):

3billion
Classification: Pathogenic for Dubin-Johnson syndrome. Last evaluated: 2025-10-16. Review status: criteria provided, single submitter. Criteria: ACMG Guidelines, 2015. Collection method: clinical testing. Allele origin: germline. Affected: yes.
Comment: The variant is observed at an extremely low frequency in the gnomAD v4.1.0 dataset (total allele frequency: 0.003%). Predicted Consequence/Location: Missense variant Functional studies provide moderate evidence of the variant having a damaging effect on the gene or gene product (PMID: 32183854). In silico tool predictions suggest damaging effect of the variant on gene or gene product [REVEL: 0.98 (>=0.6, sensitivity 0.68 and specificity 0.92); 3Cnet: 0.76 (> 0.75, sensitivity 0.96 and precision 0.92)]. The same nucleotide change resulting in the same amino acid change has been previously reported as pathogenic/likely pathogenic with strong evidence (ClinVar ID: VCV000598277 /PMID: 30344695 /3billion dataset). A different missense change at the same codon (p.Gly693Glu) has been reported to be associated with ABCC2-related disorder (ClinVar ID: VCV002972670 /PMID: 31450232 /3billion dataset). Therefore, this variant is classified as Pathogenic according to the recommendation of ACMG/AMP guideline.

Labcorp Genetics (formerly Invitae), Labcorp
Classification: Pathogenic. Last evaluated: 2024-03-16. Review status: criteria provided, single submitter. Criteria: Invitae Variant Classification Sherloc (09022015). Collection method: clinical testing. Allele origin: germline.
Comment: This sequence change replaces glycine, which is neutral and non-polar, with arginine, which is basic and polar, at codon 693 of the ABCC2 protein (p.Gly693Arg). This variant is present in population databases (rs765570396, gnomAD 0.01%). This missense change has been observed in individuals with Dubin-Johnson syndrome (PMID: 31544333, 32183854). ClinVar contains an entry for this variant (Variation ID: 598277). Advanced modeling of protein sequence and biophysical properties (such as structural, functional, and spatial information, amino acid conservation, physicochemical variation, residue mobility, and thermodynamic stability) performed at Invitae indicates that this missense variant is expected to disrupt ABCC2 protein function with a positive predictive value of 80%. Experimental studies have shown that this missense change affects ABCC2 function (PMID: 32183854). For these reasons, this variant has been classified as Pathogenic.

Mayo Clinic Laboratories, Mayo Clinic
Classification: Pathogenic. Last evaluated: 2023-07-07. Review status: criteria provided, single submitter. Criteria: ACMG Guidelines, 2015. Collection method: clinical testing. Allele origin: germline. Observed: 2 variant alleles.
Comment: PP3, PM2_moderate, PS3, PS4

Neuberg Centre For Genomic Medicine, NCGM
Classification: Pathogenic for Dubin-Johnson syndrome. Last evaluated: 2023-05-20. Review status: criteria provided, single submitter. Criteria: ACMG Guidelines, 2015. Collection method: clinical testing. Allele origin: germline. Inheritance: Autosomal recessive inheritance. Affected: yes.
Comment: The observed missense c.2077G>A(p.Gly693Arg) variant in ABCC2 gene has been reported previously in individuals affected with Dubin-Johnson syndrome (Liu T, et al., 2023; Wu L, et al., 2020; Corpechot C, et al., 2020). Experimental studies have shown that this missense change affects ABCC2 function (Wu L, et al., 2020). The p.Gly693Arg variant has been reported with allele frequency of 0.004% in gnomAD Exomes. This variant has been submitted to the ClinVar database as Uncertain Significance / Pathogenic. The amino acid change p.Gly693Arg in ABCC2 is predicted as conserved by GERP++ and PhyloP across 100 vertebrates. The amino acid Gly at position 693 is changed to a Arg changing protein sequence and it might alter its composition and physico-chemical properties. Multiple lines of computational evidences (Polyphen - Probably damaging, SIFT - Damaging and MutationTaster - Disease causing) predict a damaging effect on protein structure and function for this variant. For these reasons, this variant has been classified as Pathogenic.

Blueprint Genetics
Classification: Uncertain significance. Last evaluated: 2023-03-01. Review status: criteria provided, single submitter. Criteria: ACMG Guidelines, 2015. Collection method: clinical testing. Allele origin: germline.

PreventionGenetics, part of Exact Sciences
Classification: Pathogenic for ABCC2-related condition. Last evaluated: 2024-05-03. Review status: no assertion criteria provided. Collection method: clinical testing. Allele origin: germline. Not counted in ClinVar's aggregate classification.
Comment: The ABCC2 c.2077G>A variant is predicted to result in the amino acid substitution p.Gly693Arg. This variant has been reported in an individual with autosomal recessive Dubin-Johnson syndrome and functional in vitro studies showed this variant led to decreased expression, mislocalization and decreased organic anion transport activity of the ABCC2 encoded MPR2 protein (Wu et al. 2018. PubMed ID: 30344695; Wu et al. 2020. PubMed ID: 32183854). This variant is reported in 0.013% of alleles in individuals of South Asian descent in gnomAD. This variant is interpreted as pathogenic.

Eurofins Ntd Llc (ga)
Classification: Uncertain significance. Last evaluated: 2018-08-07. Review status: flagged submission. Criteria: EGL ClinVar v180209 classification definitions. Collection method: clinical testing. Allele origin: germline. Observed: 1 variant allele, 1 homozygote. Not counted in ClinVar's aggregate classification.
ClinVar note: Reason: Older and outlier claim with insufficient supporting evidence

Literature cited by the submitters: PubMed 31450232 (cited by 3billion and Mayo Clinic Laboratories, Mayo Clinic); PubMed 30344695 (cited by 3billion and Mayo Clinic Laboratories, Mayo Clinic); PubMed 32183854 (cited by 3 submitters); PubMed 31544333 (cited by Labcorp Genetics (formerly Invitae), Labcorp and Mayo Clinic Laboratories, Mayo Clinic); PubMed 32758197 (cited by Mayo Clinic Laboratories, Mayo Clinic).